The following is an entry in ClinVar:

ClinVar aggregate classification (germline): Uncertain significance (1 of 4 stars; one submission).

Submission:

Labcorp Genetics (formerly Invitae), Labcorp
Classification: Uncertain significance. Last evaluated: 2022-07-28. Review status: criteria provided, single submitter. Criteria: Invitae Variant Classification Sherloc (09022015). Collection method: clinical testing. Allele origin: germline.
Comment: This variant results in a copy number gain of the genomic region encompassing exon(s) 1-6 of the FH gene. This region includes the initiator codon of the gene. This copy number gain extends beyond the assayed region for this gene and therefore may encompass additional genes. As the precise location of this event is unknown, it may be in tandem or it may be located elsewhere in the genome. This variant has not been reported in the literature in individuals affected with FH-related conditions. In summary, the available evidence is currently insufficient to determine the role of this variant in disease. Therefore, it has been classified as a Variant of Uncertain Significance.

NC_000001.10:g.(?_241669293)_(241683022_?)dup

Gene: FH (fumarate hydratase; minus strand). Cytogenetic location: 1q43.
Variant type: Duplication.
Identifiers: ClinVar variation 1510043 (VCV001510043.41).